The following is an entry in ClinVar:

ClinVar aggregate classification (germline): Likely pathogenic (1 of 4 stars; one submission).

Conditions:
CFI-related disorder. Also called: CFI-related condition; CFI-related disorders. Identifiers: MedGen CN239325.

Submission:

Genomenon, Inc
Classification: Likely pathogenic for CFI-related disorder. Last evaluated: 2025-09-26. Review status: criteria provided, single submitter. Criteria: Genomenon Sequence Variant Interpretation Standards - Updated. Collection method: curation. Allele origin: germline. Affected: yes.
Comment: CFI p.Lys522Thr (c.1565A>C) is a missense variant that changes the amino acid at residue 522 from Lysine to Threonine. This variant has been observed in at least one proband affected with a CFI-related disorder (PMID:20513133;32510551). Functional studies have been reported; however, the significance of the findings remain unclear (PMID:32510551). The variant is located in a mutational hotspot. It is absent or not present at a significant frequency in gnomAD. In silico models agree that this variant is possibly or probably damaging. In conclusion, we classify CFI p.Lys522Thr (c.1565A>C) as a likely pathogenic variant.

Literature cited by the submitters: PubMed 20513133; 32510551.

NM_000204.5(CFI):c.1565A>C (p.Lys522Thr)

Gene: CFI (complement factor I; minus strand). Cytogenetic location: 4q25.
Variant type: single nucleotide variant.
Coding change: c.1565A>C on transcript NM_000204.5 (MANE Select); coding-DNA position 1565, A replaced by C.
Protein change: p.Lys522Thr; replaces lysine 522 with threonine.
Molecular consequence: missense variant. On other transcripts: 3 prime UTR variant (2), non-coding transcript variant (3), intron variant (7).
Genome position (GRCh38, 1-based): chr4:109,741,080, T>G on the plus strand (A>C on the coding strand, the complement: CFI is on the minus strand). VCF-style: chr4-109741080-T-G. GRCh37 (hg19) VCF-style: chr4-110662236-T-G.
Other names: c.1589A>C, p.Lys530Thr (NM_001318057.2); c.1544A>C, p.Lys515Thr (NM_001331035.2); c.1508A>C, p.Lys503Thr (NM_001375283.1); c.956A>C, p.Lys319Thr (NM_001375284.1); c.1586A>C, p.Lys529Thr (NM_001440986.1); c.*265A>C (NM_001440989.1, NM_001440991.1); c.1513+1411A>C (NM_001375282.1, NM_001375280.1); c.1534+1411A>C (NM_001375281.1, NM_001375279.1); and 2 more; short protein forms K319T, K503T, K515T, K522T, K529T, K530T.
Identifiers: ClinVar variation 4280512 (VCV004280512.1).